The following is an entry in ClinVar:

NM_016203.4(PRKAG2):c.1705G>C (p.Glu569Gln)

Gene: PRKAG2 (protein kinase AMP-activated non-catalytic subunit gamma 2; minus strand). Cytogenetic location: 7q36.1.
Variant type: single nucleotide variant.
Coding change: c.1705G>C on transcript NM_016203.4 (MANE Select); coding-DNA position 1705, G replaced by C.
Protein change: p.Glu569Gln; replaces glutamic acid 569 with glutamine.
Molecular consequence: missense variant.
Genome position (GRCh38, 1-based): chr7:151,557,206, C>G on the plus strand (G>C on the coding strand, the complement: PRKAG2 is on the minus strand). VCF-style: chr7-151557206-C-G. GRCh37 (hg19) VCF-style: chr7-151254292-C-G.
Other names: c.1573G>C, p.Glu525Gln (NM_001040633.2); c.1330G>C, p.Glu444Gln (NM_001304527.2); c.982G>C, p.Glu328Gln (NM_001304531.2, NM_024429.2); c.1333G>C, p.Glu445Gln (NM_001363698.2); short protein forms E445Q, E444Q, E569Q, E525Q, E328Q.
Identifiers: ClinVar variation 926498 (VCV000926498.8), dbSNP rs730880983, ClinGen allele CA370070159.

ClinVar aggregate classification (germline): Uncertain significance. Review status: criteria provided, multiple submitters, no conflicts (2 of 4 stars). 3 submissions from 3 submitters: Uncertain significance (3). Last evaluated 2025-09-09.

Conditions:
Hypertrophic cardiomyopathy. Also called: HYPERTROPHIC MYOCARDIOPATHY. Identifiers: Orphanet 217569, MedGen C0007194, MeSH D002312, MONDO:0005045, HP:0001639.
Lethal congenital glycogen storage disease of heart. Also called: GLYCOGEN STORAGE DISEASE OF HEART; PHOSPHORYLASE KINASE DEFICIENCY OF HEART. Identifiers: Orphanet 439854, MedGen C1849813, MONDO:0009867, OMIM 261740.
Cardiomyopathy (CMYO). Also called: Cardiomyopathies. Identifiers: Orphanet 167848, MedGen C0878544, MONDO:0004994, HP:0001638. Inheritance: Various modes of inheritance.

Allele frequency attached by ClinVar (database versions not stated): TOPMed 0.00001; gnomAD 0.00002.
gnomAD v4.1: 7 of 1,614,036 alleles (0.00043%); highest among the groups gnomAD compares: Non-Finnish European, 0.00059%; no homozygotes.

Submissions (3):

Labcorp Genetics (formerly Invitae), Labcorp
Classification: Uncertain significance for Lethal congenital glycogen storage disease of heart. Last evaluated: 2025-09-09. Review status: criteria provided, single submitter. Criteria: Invitae Variant Classification Sherloc (09022015). Collection method: clinical testing. Allele origin: germline.
Comment: This sequence change replaces glutamic acid, which is acidic and polar, with glutamine, which is neutral and polar, at codon 569 of the PRKAG2 protein (p.Glu569Gln). This variant is present in population databases (no rsID available, gnomAD 0.02%). This variant has not been reported in the literature in individuals affected with PRKAG2-related conditions. ClinVar contains an entry for this variant (Variation ID: 926498). Invitae Evidence Modeling of protein sequence and biophysical properties (such as structural, functional, and spatial information, amino acid conservation, physicochemical variation, residue mobility, and thermodynamic stability) indicates that this missense variant is not expected to disrupt PRKAG2 protein function with a negative predictive value of 95%. In summary, the available evidence is currently insufficient to determine the role of this variant in disease. Therefore, it has been classified as a Variant of Uncertain Significance.

Color Diagnostics, LLC DBA Color Health
Classification: Uncertain significance for Cardiomyopathy. Last evaluated: 2024-03-06. Review status: criteria provided, single submitter. Criteria: ACMG Guidelines, 2015. Collection method: clinical testing. Allele origin: germline.
Comment: This missense variant replaces glutamic acid with glutamine at codon 569 of the PRKAG2 protein. Computational prediction suggests that this variant may not impact protein structure and function (internally defined REVEL score threshold <= 0.5, PMID: 27666373). Splice site prediction tools suggest that this variant may not impact RNA splicing. To our knowledge, functional studies have not been performed for this variant. This variant has not been reported in individuals affected with cardiovascular disorders in the literature. This variant has been identified in 3/31396 chromosomes in the general population by the Genome Aggregation Database (gnomAD). The available evidence is insufficient to determine the role of this variant in disease conclusively. Therefore, this variant is classified as a Variant of Uncertain Significance.

All of Us Research Program, National Institutes of Health
Classification: Uncertain significance for Hypertrophic cardiomyopathy. Last evaluated: 2023-11-30. Review status: criteria provided, single submitter. Criteria: ACMG Guidelines, 2015. Collection method: clinical testing. Allele origin: germline. Inheritance: Autosomal dominant inheritance. Observed: 2 variant alleles, 2 heterozygotes.
Comment: This missense variant replaces glutamic acid with glutamine at codon 569 of the PRKAG2 protein. Computational prediction suggests that this variant may not impact protein structure and function (internally defined REVEL score threshold <= 0.5, PMID: 27666373). Splice site prediction tools suggest that this variant may not impact RNA splicing. To our knowledge, functional studies have not been performed for this variant. This variant has not been reported in individuals affected with cardiovascular disorders in the literature. This variant has been identified in 3/31396 chromosomes in the general population by the Genome Aggregation Database (gnomAD). The available evidence is insufficient to determine the role of this variant in disease conclusively. Therefore, this variant is classified as a Variant of Uncertain Significance.

This study involves interpretation of variants in research participants for the purpose of population health screening. Participant phenotype was not available at the time of variant classification. Additional details can be found in publication PMID: 35346344, PMCID: PMC8962531